The following is an entry in ClinVar:

NM_000814.6(GABRB3):c.1097A>G (p.Asn366Ser)

Gene: GABRB3 (gamma-aminobutyric acid type A receptor subunit beta3; minus strand). Cytogenetic location: 15q12.
Variant type: single nucleotide variant.
Coding change: c.1097A>G on transcript NM_000814.6 (MANE Select); coding-DNA position 1097, A replaced by G.
Protein change: p.Asn366Ser; replaces asparagine 366 with serine.
Molecular consequence: missense variant.
Genome position (GRCh38, 1-based): chr15:26,548,118, T>C on the plus strand (A>G on the coding strand, the complement: GABRB3 is on the minus strand). VCF-style: chr15-26548118-T-C. GRCh37 (hg19) VCF-style: chr15-26793265-T-C.
Other names: c.842A>G, p.Asn281Ser (NM_001191320.2, NM_001278631.2); c.884A>G, p.Asn295Ser (NM_001191321.3); c.1097A>G, p.Asn366Ser (NM_021912.5); short protein forms N366S, N281S, N295S.
Identifiers: ClinVar variation 588733 (VCV000588733.13), dbSNP rs759847671, ClinGen allele CA7437302.

ClinVar aggregate classification (germline): Uncertain significance. Review status: criteria provided, multiple submitters, no conflicts (2 of 4 stars). 2 submissions from 2 submitters: Uncertain significance (2). Last evaluated 2024-03-27.

Conditions:
Epilepsy, childhood absence, susceptibility to, 1. Also called: Epilepsy, childhood absence 1. Identifiers: Orphanet 64280, MedGen C1838604, MONDO:0020759, OMIM 600131.
Epilepsy, childhood absence, susceptibility to, 5. Identifiers: Orphanet 64280, MedGen C2677087, MONDO:0012843, OMIM 612269.
Inborn genetic diseases. Identifiers: MedGen C0950123, MeSH D030342.

Allele frequency attached by ClinVar (database versions not stated): gnomAD exomes below 0.00001; ExAC 0.00001.
gnomAD v4.1: 5 of 1,614,148 alleles (0.00031%); highest among the groups gnomAD compares: Admixed American, 0.0017%; no homozygotes.

Submissions (2):

Labcorp Genetics (formerly Invitae), Labcorp
Classification: Uncertain significance for Epilepsy, childhood absence, susceptibility to, 5; Epilepsy, childhood absence, susceptibility to, 1. Last evaluated: 2024-03-27. Review status: criteria provided, single submitter. Criteria: Invitae Variant Classification Sherloc (09022015). Collection method: clinical testing. Allele origin: germline.
Comment: This sequence change replaces asparagine, which is neutral and polar, with serine, which is neutral and polar, at codon 366 of the GABRB3 protein (p.Asn366Ser). This variant is present in population databases (rs759847671, gnomAD 0.003%). This variant has not been reported in the literature in individuals affected with GABRB3-related conditions. ClinVar contains an entry for this variant (Variation ID: 588733). Advanced modeling of protein sequence and biophysical properties (such as structural, functional, and spatial information, amino acid conservation, physicochemical variation, residue mobility, and thermodynamic stability) performed at Invitae indicates that this missense variant is not expected to disrupt GABRB3 protein function with a negative predictive value of 95%. In summary, the available evidence is currently insufficient to determine the role of this variant in disease. Therefore, it has been classified as a Variant of Uncertain Significance.

Ambry Genetics
Classification: Uncertain significance for Inborn genetic diseases. Last evaluated: 2017-01-26. Review status: criteria provided, single submitter. Criteria: Ambry Variant Classification Scheme 2023. Collection method: clinical testing. Allele origin: germline.
Comment: The p.N366S variant (also known as c.1097A>G), located in coding exon 9 of the GABRB3 gene, results from an A to G substitution at nucleotide position 1097. The asparagine at codon 366 is replaced by serine, an amino acid with highly similar properties. This amino acid position is highly conserved in available vertebrate species. In addition, this alteration is predicted to be tolerated by in silico analysis. Since supporting evidence is limited at this time, the clinical significance of this alteration remains unclear.